The following is an entry in ClinVar:

NM_005334.3(HCFC1):c.3398G>A (p.Arg1133Gln)

Gene: HCFC1 (host cell factor C1; minus strand). Cytogenetic location: Xq28.
Variant type: single nucleotide variant.
Coding change: c.3398G>A on transcript NM_005334.3 (MANE Select); coding-DNA position 3398, G replaced by A.
Protein change: p.Arg1133Gln; replaces arginine 1133 with glutamine.
Molecular consequence: missense variant.
Genome position (GRCh38, 1-based): chrX:153,955,001, C>T on the plus strand (G>A on the coding strand, the complement: HCFC1 is on the minus strand). VCF-style: chrX-153955001-C-T. GRCh37 (hg19) VCF-style: chrX-153220452-C-T.
Other names: c.3398G>A, p.Arg1133Gln (NM_001410705.1); short protein forms R1133Q.
Identifiers: ClinVar variation 3018769 (VCV003018769.4), dbSNP rs903638473, ClinGen allele CA337253856.

ClinVar aggregate classification (germline): Uncertain significance. Review status: criteria provided, multiple submitters, no conflicts (2 of 4 stars). 2 submissions from 2 submitters: Uncertain significance (2). Last evaluated 2024-10-24.

Conditions:
Methylmalonic acidemia with homocystinuria, type cblX (MAHCX). Also called: INTELLECTUAL DEVELOPMENTAL DISORDER, X-LINKED 3. Identifiers: Orphanet 369962, MedGen C0796208, MONDO:0010657, OMIM 309541.

Allele frequency attached by ClinVar (database versions not stated): gnomAD exomes 0.00002.

Submissions (2):

Labcorp Genetics (formerly Invitae), Labcorp
Classification: Uncertain significance for Methylmalonic acidemia with homocystinuria, type cblX. Last evaluated: 2024-10-24. Review status: criteria provided, single submitter. Criteria: Invitae Variant Classification Sherloc (09022015). Collection method: clinical testing. Allele origin: germline.
Comment: This sequence change replaces arginine, which is basic and polar, with glutamine, which is neutral and polar, at codon 1133 of the HCFC1 protein (p.Arg1133Gln). This variant is not present in population databases (gnomAD no frequency). This variant has not been reported in the literature in individuals affected with HCFC1-related conditions. An algorithm developed to predict the effect of missense changes on protein structure and function outputs the following: PolyPhen-2: "Benign". The glutamine amino acid residue is found in multiple mammalian species, which suggests that this missense change does not adversely affect protein function. In summary, the available evidence is currently insufficient to determine the role of this variant in disease. Therefore, it has been classified as a Variant of Uncertain Significance.

Laboratorio de Genetica e Diagnostico Molecular, Hospital Israelita Albert Einstein
Classification: Uncertain significance for Methylmalonic acidemia with homocystinuria, type cblX. Last evaluated: 2023-04-05. Review status: criteria provided, single submitter. Criteria: ACMG Guidelines, 2015. Collection method: clinical testing. Allele origin: germline. Affected: yes.
Comment: ACMG classification criteria: PM2 moderate, BP4 supporting